The following is an entry in ClinVar:

NM_005751.5(AKAP9):c.6916C>T (p.Gln2306Ter)

Gene: AKAP9 (A-kinase anchoring protein 9; plus strand). Cytogenetic location: 7q21.2.
Variant type: single nucleotide variant.
Coding change: c.6916C>T on transcript NM_005751.5 (MANE Select); coding-DNA position 6916, C replaced by T.
Protein change: p.Gln2306Ter; replaces glutamine 2306 with a stop codon.
Molecular consequence: nonsense.
Genome position (GRCh38, 1-based): chr7:92,077,846, C>T. VCF-style: chr7-92077846-C-T. GRCh37 (hg19) VCF-style: chr7-91707160-C-T.
Other names: c.1561C>T, p.Gln521Ter (NM_001379277.1); c.6892C>T, p.Gln2298Ter (NM_147185.3); short protein forms Q2298*, Q2306*, Q521*.
Identifiers: ClinVar variation 1677585 (VCV001677585.4), dbSNP rs899419546, ClinGen allele CA161884607.

ClinVar aggregate classification (germline): Uncertain significance. Review status: criteria provided, multiple submitters, no conflicts (2 of 4 stars). 3 submissions from 3 submitters: Uncertain significance (3). Last evaluated 2024-12-22.

Conditions:
Long QT syndrome 11 (LQT11). Identifiers: Orphanet 101016, Orphanet 768, MedGen C2678483, MONDO:0012738, OMIM 611820.
Long QT syndrome (LQTS). Identifiers: MedGen C0023976, MeSH D008133, MONDO:0002442. Disease mechanism: loss of function. Inheritance: Various modes of inheritance.

Allele frequency attached by ClinVar (database versions not stated): gnomAD exomes below 0.00001; gnomAD 0.00001; TOPMed 0.00003.
gnomAD v4.1: 3 of 1,613,142 alleles (0.00019%); highest among the groups gnomAD compares: African/African-American, 0.004%; no homozygotes.

Submissions (3):

Labcorp Genetics (formerly Invitae), Labcorp
Classification: Uncertain significance for Long QT syndrome. Last evaluated: 2024-12-22. Review status: criteria provided, single submitter. Criteria: Invitae Variant Classification Sherloc (09022015). Collection method: clinical testing. Allele origin: germline.
Comment: This sequence change creates a premature translational stop signal (p.Gln2306*) in the AKAP9 gene. It is expected to result in an absent or disrupted protein product. However, the current clinical and genetic evidence is not sufficient to establish whether loss-of-function variants in AKAP9 cause disease. This variant is not present in population databases (gnomAD no frequency). This variant has not been reported in the literature in individuals affected with AKAP9-related conditions. ClinVar contains an entry for this variant (Variation ID: 1677585). Algorithms developed to predict the effect of sequence changes on RNA splicing suggest that this variant may disrupt the consensus splice site. In summary, the available evidence is currently insufficient to determine the role of this variant in disease. Therefore, it has been classified as a Variant of Uncertain Significance.

AiLife Diagnostics
Classification: Uncertain significance. Last evaluated: 2021-10-21. Review status: criteria provided, single submitter. Criteria: ACMG Guidelines, 2015. Collection method: clinical testing. Allele origin: germline. Affected: yes. Observed: 1 variant allele.

Fulgent Genetics
Classification: Uncertain significance for Long QT syndrome 11. Last evaluated: 2021-08-09. Review status: criteria provided, single submitter. Criteria: ACMG Guidelines, 2015. Collection method: clinical testing. Allele origin: unknown.